The following is an entry in ClinVar:

ClinVar aggregate classification (germline): Uncertain significance (1 of 4 stars; one submission).

Submission:

Labcorp Genetics (formerly Invitae), Labcorp
Classification: Uncertain significance. Last evaluated: 2025-09-02. Review status: criteria provided, single submitter. Criteria: Invitae Variant Classification Sherloc (09022015). Collection method: clinical testing. Allele origin: germline.
Comment: This sequence change replaces methionine, which is neutral and non-polar, with threonine, which is neutral and polar, at codon 1382 of the SNRNP200 protein (p.Met1382Thr). This variant is not present in population databases (gnomAD no frequency). This variant has not been reported in the literature in individuals affected with SNRNP200-related conditions. ClinVar contains an entry for this variant (Variation ID: 3615664). Invitae Evidence Modeling of protein sequence and biophysical properties (such as structural, functional, and spatial information, amino acid conservation, physicochemical variation, residue mobility, and thermodynamic stability) indicates that this missense variant is not expected to disrupt SNRNP200 protein function with a negative predictive value of 95%. In summary, the available evidence is currently insufficient to determine the role of this variant in disease. Therefore, it has been classified as a Variant of Uncertain Significance.

NM_014014.5(SNRNP200):c.4145T>C (p.Met1382Thr)

Gene: SNRNP200 (small nuclear ribonucleoprotein U5 subunit 200; minus strand). Cytogenetic location: 2q11.2.
Variant type: single nucleotide variant.
Coding change: c.4145T>C on transcript NM_014014.5 (MANE Select); coding-DNA position 4145, T replaced by C.
Protein change: p.Met1382Thr; replaces methionine 1382 with threonine.
Molecular consequence: missense variant.
Genome position (GRCh38, 1-based): chr2:96,285,199, A>G on the plus strand (T>C on the coding strand, the complement: SNRNP200 is on the minus strand). VCF-style: chr2-96285199-A-G. GRCh37 (hg19) VCF-style: chr2-96950937-A-G.
Other names: short protein forms M1382T.
Identifiers: ClinVar variation 3615664 (VCV003615664.2).